The following is an entry in ClinVar:

ClinVar aggregate classification (germline): Uncertain significance (1 of 4 stars; one submission).

Conditions:
Exudative vitreoretinopathy 4 (EVR4). Identifiers: Orphanet 891, MedGen C1866176, MONDO:0011151, OMIM 601813.

Allele frequency attached by ClinVar (database versions not stated): gnomAD exomes below 0.00001.
gnomAD v4.1: 1 of 1,613,992 alleles (0.000062%); highest among the groups gnomAD compares: Non-Finnish European, 0.000085%; no homozygotes.

Submission:

3billion
Classification: Uncertain significance for Exudative vitreoretinopathy 4. Last evaluated: 2022-09-01. Review status: criteria provided, single submitter. Criteria: ACMG Guidelines, 2015. Collection method: clinical testing. Allele origin: germline. Affected: yes. Observed: 1 heterozygote.
Comment: The variant is not observed in the gnomAD v2.1.1 dataset. In silico tool predictions suggest damaging effect of the variant on gene or gene product (REVEL: 0.67; 3Cnet: 0.09). Therefore, this variant is classified as uncertain significance according to the recommendation of ACMG/AMP guideline.

NM_002335.4(LRP5):c.1589T>C (p.Ile530Thr)

Gene: LRP5 (LDL receptor related protein 5; plus strand). Cytogenetic location: 11q13.2.
Variant type: single nucleotide variant.
Coding change: c.1589T>C on transcript NM_002335.4 (MANE Select); coding-DNA position 1589, T replaced by C.
Protein change: p.Ile530Thr; replaces isoleucine 530 with threonine.
Molecular consequence: missense variant. On other transcripts: 5 prime UTR variant (1).
Genome position (GRCh38, 1-based): chr11:68,403,487, T>C. VCF-style: chr11-68403487-T-C. GRCh37 (hg19) VCF-style: chr11-68170955-T-C.
Other names: c.-349T>C (NM_001291902.2); short protein forms I530T.
Identifiers: ClinVar variation 1705431 (VCV001705431.1), dbSNP rs2496697493, ClinGen allele CA381614094.